The following is an entry in ClinVar:

NM_007078.3(LDB3):c.1672A>G (p.Ile558Val)

Gene: LDB3 (LIM domain binding 3; plus strand). Cytogenetic location: 10q23.2.
Variant type: single nucleotide variant.
Coding change: c.1672A>G on transcript NM_007078.3 (MANE Select); coding-DNA position 1672, A replaced by G.
Protein change: p.Ile558Val; replaces isoleucine 558 with valine.
Molecular consequence: missense variant.
Genome position (GRCh38, 1-based): chr10:86,716,767, A>G. VCF-style: chr10-86716767-A-G. GRCh37 (hg19) VCF-style: chr10-88476524-A-G.
Other names: p.I558V:ATC>GTC; c.1342A>G, p.Ile448Val (NM_001080114.2); c.1687A>G, p.Ile563Val (NM_001171610.2); c.1483A>G, p.Ile495Val (NM_001368064.1, NM_001368065.1); c.1531A>G, p.Ile511Val (NM_001368066.1); short protein forms I558V, I448V, I511V, I495V, I563V.
Identifiers: ClinVar variation 45532 (VCV000045532.49), dbSNP rs372331627, ClinGen allele CA136557.

ClinVar aggregate classification (germline): Conflicting classifications of pathogenicity. Review status: criteria provided, conflicting classifications (1 of 4 stars). 14 submissions from 14 submitters: Uncertain significance (1); Benign (4); Likely benign (5). 4 of the submissions do not count toward it. Last evaluated 2025-12-29.

Conditions:
Cardiovascular phenotype. Identifiers: MedGen CN230736.
Arrhythmogenic right ventricular cardiomyopathy (ARVD). Also called: Arrhythmogenic cardiomyopathy; Arrhythmogenic Right Ventricular Cardiomyopathy (ARVC); Cardiomyopathy, ARVC; Arrhythmogenic right ventricular dysplasia. Identifiers: Orphanet 247, MedGen C0349788, MeSH D019571, MONDO:0016587. Disease mechanism: loss of function. Inheritance: Various modes of inheritance.
Cardiomyopathy (CMYO). Also called: Cardiomyopathies. Identifiers: Orphanet 167848, MedGen C0878544, MONDO:0004994, HP:0001638. Inheritance: Various modes of inheritance.
Myofibrillar myopathy 4. Also called: Zaspopathy (type). Identifiers: Orphanet 98912, MedGen C4721886, MONDO:0012277, OMIM 609452.

Allele frequency attached by ClinVar (database versions not stated): gnomAD exomes 0.00016 and 0.00028; TOPMed 0.00005; gnomAD 0.00007 and 0.00003; 1000 Genomes Project 0.00060; 1000 Genomes Project 30x 0.00047; ExAC 0.00060.
gnomAD v4.1: 253 of 1,604,004 alleles (0.016%); highest among the groups gnomAD compares: Middle Eastern, 0.81%; 5 homozygotes.

Submissions (14):

Labcorp Genetics (formerly Invitae), Labcorp
Classification: Benign for Myofibrillar myopathy 4. Last evaluated: 2025-12-29. Review status: criteria provided, single submitter. Criteria: Invitae Variant Classification Sherloc (09022015). Collection method: clinical testing. Allele origin: germline.

Blueprint Genetics
Classification: Likely benign. Last evaluated: 2024-10-16. Review status: criteria provided, single submitter. Criteria: ACMG Guidelines, 2015. Collection method: clinical testing. Allele origin: germline.

CeGaT Center for Human Genetics Tuebingen
Classification: Likely benign. Last evaluated: 2024-06-01. Review status: criteria provided, single submitter. Criteria: CeGaT Center For Human Genetics Tuebingen Variant Classification Criteria Version 2. Collection method: clinical testing. Allele origin: germline. Affected: yes. Observed: 4 variant alleles.
Comment: LDB3: BS1

Mendelics
Classification: Benign for Myofibrillar myopathy 4. Last evaluated: 2023-08-22. Review status: criteria provided, single submitter. Criteria: Mendelics Assertion Criteria 2019. Collection method: clinical testing. Allele origin: germline.

GeneDx
Classification: Benign. Last evaluated: 2020-09-30. Review status: criteria provided, single submitter. Criteria: GeneDx Variant Classification Process June 2021. Collection method: clinical testing. Allele origin: germline. Affected: yes.
Comment: This variant is associated with the following publications: (PMID: 25179549, 24503780, 26112015, 27896284, 20474083, 25351510, 27633507, 27884173, 30315573, 31127727)

Ambry Genetics
Classification: Likely benign for Cardiovascular phenotype. Last evaluated: 2020-09-03. Review status: criteria provided, single submitter. Criteria: Ambry Variant Classification Scheme 2023. Collection method: clinical testing. Allele origin: germline.

Center for Advanced Laboratory Medicine, UC San Diego Health, University of California San Diego
Classification: Likely benign for Arrhythmogenic right ventricular cardiomyopathy. Last evaluated: 2019-03-18. Review status: criteria provided, single submitter. Criteria: ACMG Guidelines, 2015. Collection method: clinical testing. Allele origin: germline. Affected: yes. Observed: 1 variant allele.

CHEO Genetics Diagnostic Laboratory, Children's Hospital of Eastern Ontario
Classification: Benign for Cardiomyopathy. Last evaluated: 2017-11-30. Review status: criteria provided, single submitter. Criteria: ACMG Guidelines, 2015. Collection method: clinical testing. Allele origin: germline.

Laboratory for Molecular Medicine, Mass General Brigham Personalized Medicine
Classification: Likely benign. Last evaluated: 2015-06-11. Review status: criteria provided, single submitter. Criteria: LMM Criteria. Collection method: clinical testing. Allele origin: germline. Observed: 3 variant alleles.
Comment: p.Ile558Val in exon 9 of LDB3: This variant is not expected to have clinical sig nificance because it has been identified in 0.3% (40/12734) South Asian chromoso mes by the Exome Aggregation Consortium (ExAC; d bSNP rs372331627).

Biesecker Lab/Clinical Genomics Section, National Institutes of Health
Classification: Uncertain significance. Last evaluated: 2013-06-24. Review status: criteria provided, single submitter. Criteria: Ng et al. (Circ Cardiovasc Genet. 2013). Collection method: research. Allele origin: unknown. Observed: 1 variant allele. Study: ClinSeq.
Comment: The study set was not selected for affection status in relation to any cancer. Pathogenicity categories were based on literature curation. See Pubmed ID:23861362 for details.

Medical sequencing

Clinical Genetics DNA and cytogenetics Diagnostics Lab, Erasmus MC, Erasmus Medical Center
Classification: Uncertain significance. Review status: no assertion criteria provided. Collection method: clinical testing. Allele origin: germline. Affected: yes. Study: VKGL Data-share Consensus. Not counted in ClinVar's aggregate classification.

Clinical Genetics, Academic Medical Center
Classification: Uncertain significance. Review status: no assertion criteria provided. Collection method: clinical testing. Allele origin: germline. Affected: yes. Study: VKGL Data-share Consensus. Not counted in ClinVar's aggregate classification.

Diagnostic Laboratory, Department of Genetics, University Medical Center Groningen
Classification: Uncertain significance. Review status: no assertion criteria provided. Collection method: clinical testing. Allele origin: germline. Affected: yes. Study: VKGL Data-share Consensus. Not counted in ClinVar's aggregate classification.

Joint Genome Diagnostic Labs from Nijmegen and Maastricht, Radboudumc and MUMC+
Classification: Uncertain significance. Review status: no assertion criteria provided. Collection method: clinical testing. Allele origin: germline. Affected: yes. Study: VKGL Data-share Consensus. Not counted in ClinVar's aggregate classification.

Literature cited by the submitters: PubMed 20474083 (cited by Ambry Genetics); PubMed 23861362 (cited by Ambry Genetics); PubMed 25179549 (cited by Ambry Genetics); PubMed 25351510 (cited by Ambry Genetics); PubMed 30847666 (cited by Ambry Genetics).